The following is an entry in ClinVar:

ClinVar aggregate classification (germline): Pathogenic/Likely pathogenic. Review status: criteria provided, multiple submitters, no conflicts (2 of 4 stars). 3 submissions from 3 submitters: Pathogenic (2); Likely pathogenic (1). Last evaluated 2024-01-05.

Conditions:
Hereditary cancer-predisposing syndrome. Also called: Neoplastic Syndromes, Hereditary; Tumor predisposition; Hereditary Cancer Syndrome; Hereditary neoplastic syndrome. Identifiers: Orphanet 140162, MedGen C0027672, MeSH D009386, MONDO:0015356.
Aplastic anemia. Identifiers: Orphanet 182040, Orphanet 88, MedGen C0002874, MONDO:0015909, OMIM 609135, HP:0001915.
Microcephaly, normal intelligence and immunodeficiency (NBS). Also called: Nijmegen breakage syndrome; Immunodeficiency, microcephaly with normal intelligence; SEEMANOVA SYNDROME II; Microcephaly with normal intelligence immunodeficiency and lymphoreticular malignancies; Nonsyndromal microcephaly autosomal recessive with normal intelligence; Seemanova syndrome 2. Identifiers: Orphanet 647, MedGen C0398791, MONDO:0009623, OMIM 251260.

Submissions (3):

Ambry Genetics
Classification: Pathogenic for Hereditary cancer-predisposing syndrome. Last evaluated: 2024-01-05. Review status: criteria provided, single submitter. Criteria: Ambry Variant Classification Scheme 2023. Collection method: clinical testing. Allele origin: germline.
Comment: The c.1526dupC pathogenic mutation, located in coding exon 11 of the NBN gene, results from a duplication of C at nucleotide position 1526, causing a translational frameshift with a predicted alternate stop codon (p.E510*). This alteration is expected to result in loss of function by premature protein truncation or nonsense-mediated mRNA decay. As such, this alteration is interpreted as a disease-causing mutation.

Baylor Genetics
Classification: Likely pathogenic for Aplastic anemia. Last evaluated: 2023-12-31. Review status: criteria provided, single submitter. Criteria: ACMG Guidelines, 2015. Collection method: clinical testing. Allele origin: unknown.

Labcorp Genetics (formerly Invitae), Labcorp
Classification: Pathogenic for Microcephaly, normal intelligence and immunodeficiency. Last evaluated: 2021-12-08. Review status: criteria provided, single submitter. Criteria: Invitae Variant Classification Sherloc (09022015). Collection method: clinical testing. Allele origin: germline.
Comment: This sequence change creates a premature translational stop signal (p.Glu510*) in the NBN gene. It is expected to result in an absent or disrupted protein product. Loss-of-function variants in NBN are known to be pathogenic (PMID: 9590180, 16415040). This variant is not present in population databases (gnomAD no frequency). This variant has not been reported in the literature in individuals affected with NBN-related conditions. ClinVar contains an entry for this variant (Variation ID: 566863). For these reasons, this variant has been classified as Pathogenic.

Literature cited by the submitters: PubMed 9590180 (cited by Labcorp Genetics (formerly Invitae), Labcorp); PubMed 16415040 (cited by Labcorp Genetics (formerly Invitae), Labcorp).

NM_002485.5(NBN):c.1526dup (p.Ser509_Glu510insTer)

Gene: NBN (nibrin; minus strand). Cytogenetic location: 8q21.3.
Variant type: Duplication.
Coding change: c.1526dup on transcript NM_002485.5 (MANE Select); coding-DNA position 1526, one base duplicated (C; older notation c.1526dupC).
Protein change: p.Ser509_Glu510insTer.
Molecular consequence: frameshift variant.
Genome position (GRCh38, 1-based): chr8:89,953,563, G duplicated on the plus strand (C on the coding strand, the reverse complement: NBN is on the minus strand). VCF-style (leftmost placement, unchanged base first): chr8-89953562-A-AG. GRCh37 (hg19) VCF-style: chr8-90965790-A-AG.
Other names: c.1280dup, p.Ser427_Glu428insTer (NM_001024688.3); c.1526dupC (NM_002485.4).
Identifiers: ClinVar variation 566863 (VCV000566863.8), dbSNP rs1563526747, ClinGen allele CA891842841.